The following is an entry in ClinVar:

NM_002805.6(PSMC5):c.414G>C (p.Met138Ile)

Gene: PSMC5 (proteasome 26S subunit, ATPase 5; plus strand). Cytogenetic location: 17q23.3.
Variant type: single nucleotide variant.
Coding change: c.414G>C on transcript NM_002805.6 (MANE Select); coding-DNA position 414, G replaced by C.
Protein change: p.Met138Ile; replaces methionine 138 with isoleucine.
Molecular consequence: missense variant.
Genome position (GRCh38, 1-based): chr17:63,830,363, G>C. VCF-style: chr17-63830363-G-C. GRCh37 (hg19) VCF-style: chr17-61907723-G-C.
Other names: c.390G>C, p.Met130Ile (NM_001199163.2); short protein forms M130I, M138I.
Identifiers: ClinVar variation 3602969 (VCV003602969.1).

ClinVar aggregate classification (germline): Uncertain significance (1 of 4 stars; one submission).

Submission:

GeneDx
Classification: Uncertain significance. Last evaluated: 2022-03-17. Review status: criteria provided, single submitter. Criteria: GeneDx Variant Classification Process June 2021. Collection method: clinical testing. Allele origin: germline. Affected: yes.
Comment: Not observed at significant frequency in large population cohorts (gnomAD); In silico analysis supports that this missense variant has a deleterious effect on protein structure/function; Has not been previously published as pathogenic or benign to our knowledge; Variants in candidate genes are classified as variants of uncertain significance in accordance with ACMG guidelines (Richards et al., 2015)